The following is an entry in ClinVar:

NM_000153.4(GALC):c.1102_1109del (p.Gly368fs)

Gene: GALC (galactosylceramidase; minus strand). Cytogenetic location: 14q31.3.
Variant type: Deletion.
Coding change: c.1102_1109del on transcript NM_000153.4 (MANE Select); coding-DNA positions 1102 to 1109, 8 bases deleted (GGAAGCTA; older notation c.1102_1109delGGAAGCTA).
Protein change: p.Gly368fs; shifts the reading frame from glycine 368.
Molecular consequence: frameshift variant. On other transcripts: non-coding transcript variant (1).
Genome position (GRCh38, 1-based): chr14:87,963,436-87,963,443, TAGCTTCC deleted on the plus strand (GGAAGCTA on the coding strand, the reverse complement: GALC is on the minus strand); deleting any 8 consecutive bases within chr14:87,963,436-87,963,444 gives the same sequence; the c. name uses the placement nearest the transcript's 3' end. VCF-style (leftmost placement, unchanged base first): chr14-87963435-GTAGCTTCC-G. GRCh37 (hg19) VCF-style: chr14-88429779-GTAGCTTCC-G.
Other names: c.1033_1040del, p.Gly345fs (NM_001201401.2); c.1024_1031del, p.Gly342fs (NM_001201402.2); c.934_941del, p.Gly312fs (NM_001424071.1, NM_001424072.1, NM_001424073.1); c.754_761del, p.Gly252fs (NM_001424074.1, NM_001424075.1); c.469_476del, p.Gly157fs (NM_001424076.1, NM_001424077.1); short protein forms G157fs, G252fs, G312fs, G342fs, G345fs, G368fs.
Identifiers: ClinVar variation 5012685 (VCV005012685.1).

ClinVar aggregate classification (germline): Pathogenic (1 of 4 stars; one submission).

Conditions:
Galactosylceramide beta-galactosidase deficiency. Also called: GALACTOCEREBROSIDASE DEFICIENCY; GALC DEFICIENCY; GLOBOID CELL LEUKOENCEPHALOPATHY; Leukodystrophy, Globoid Cell; Krabbe Disease. Identifiers: Orphanet 487, MedGen C0023521, MONDO:0009499, OMIM 245200.

Submission:

Myriad Genetics, Inc.
Classification: Pathogenic for Galactosylceramide beta-galactosidase deficiency. Last evaluated: 2024-01-26. Review status: criteria provided, single submitter. Criteria: Myriad Autosomal Dominant, Autosomal Recessive and X-Linked Classification Criteria (2023). Collection method: clinical testing. Allele origin: unknown.
Comment: NM_000153.3(GALC):c.1102_1109del8(G368Rfs*5) is expected to be pathogenic in the context of Krabbe disease. This variant is predicted to lead to an abnormal or absent protein product due to the creation of a premature termination codon in GALC, a gene where loss-of-function variants are known to be pathogenic. Please note: this variant was assessed in the context of healthy population screening.